The following is an entry in ClinVar:

NM_001875.5(CPS1):c.698G>A (p.Arg233His)

Gene: CPS1 (carbamoyl-phosphate synthase 1; plus strand). Cytogenetic location: 2q34.
Variant type: single nucleotide variant.
Coding change: c.698G>A on transcript NM_001875.5 (MANE Select); coding-DNA position 698, G replaced by A.
Protein change: p.Arg233His; replaces arginine 233 with histidine.
Molecular consequence: missense variant. On other transcripts: non-coding transcript variant (1).
Genome position (GRCh38, 1-based): chr2:210,588,134, G>A. VCF-style: chr2-210588134-G-A. GRCh37 (hg19) VCF-style: chr2-211452858-G-A.
Other names: c.698G>A, p.Arg233His (NM_001122633.3, NM_001369257.1); c.731G>A, p.Arg244His (NM_001369256.1); short protein forms R233H, R244H.
Identifiers: ClinVar variation 4689542 (VCV004689542.2).

ClinVar aggregate classification (germline): Conflicting classifications of pathogenicity. Review status: criteria provided, conflicting classifications (1 of 4 stars). 2 submissions from 2 submitters: Likely pathogenic (1); Uncertain significance (1). Last evaluated 2026-01-08.

Conditions:
Congenital hyperammonemia, type I. Also called: Carbamoyl phosphate synthetase I deficiency disease; CPS I DEFICIENCY; Carbamoyl-phosphate synthase I deficiency; Carbamoyl phosphate synthetase 1 deficiency; Hyperammonemia due to carbamoyl phosphate synthetase 1 deficiency; CPS 1 deficiency. Identifiers: Orphanet 147, MedGen C4082171, MONDO:0009376, OMIM 237300.

gnomAD v4.1: 15 of 1,612,210 alleles (0.00093%); highest among the groups gnomAD compares: East Asian, 0.0022%; no homozygotes.

Submissions (2):

Women's Health and Genetics/Laboratory Corporation of America, LabCorp
Classification: Uncertain significance. Last evaluated: 2026-01-08. Review status: criteria provided, single submitter. Criteria: LabCorp Variant Classification Summary - May 2015. Collection method: clinical testing. Allele origin: germline.
Comment: Variant summary: CPS1 c.698G>A (p.Arg233His) results in a non-conservative amino acid change in the encoded protein sequence. Algorithms developed to predict the effect of missense changes on protein structure and function all suggest that this variant is likely to be disruptive. The variant allele was found at a frequency of 8e-06 in 251034 control chromosomes (gnomAD). c.698G>A has been observed in one individual affected with Carbamoylphosphate Synthetase I Deficiency (Kasahara_2010). These data do not allow any conclusion about variant significance. A different variant affecting the same codon has been classified as likely pathogenic by our lab (c.697C>T, p.Arg233Cys), supporting the critical relevance of codon 233 to CPS1 protein function. To our knowledge, no experimental evidence demonstrating an impact on protein function has been reported. The following publications have been ascertained in the context of this evaluation (PMID: 33057194, 21108709, 35982159). No submitters have cited clinical-significance assessments for this variant to ClinVar. Based on the evidence outlined above, the variant was classified as VUS-possibly pathogenic.

Natera, Inc.
Classification: Likely pathogenic for Carbamoyl-phosphate synthase I deficiency. Last evaluated: 2025-07-14. Review status: criteria provided, single submitter. Criteria: Natera Variant Classification Schema (03/2026). Collection method: clinical testing. Allele origin: germline.
Comment: The c.698G>A variant in CPS1 is a missense variant predicted to cause substitution of arginine to histidine at amino acid 233. This variant is rare in the general population with a frequency below the threshold expected for the associated phenotype(s). This variant has been observed in one or more individuals affected with the associated recessive disease, as either homozygous or compound heterozygous with a second variant (PMID: 21108709). A different variant at the same position has been determined to be Pathogenic or Likely Pathogenic. Computational prediction algorithms indicate this variant is likely to affect gene or protein function. Given the available evidence, this variant is classified as Likely Pathogenic.

Literature cited by the submitters: PubMed 21108709 (cited by Women's Health and Genetics/Laboratory Corporation of America, LabCorp and Natera, Inc.); PubMed 35982159 (cited by Women's Health and Genetics/Laboratory Corporation of America, LabCorp); PubMed 33057194 (cited by Women's Health and Genetics/Laboratory Corporation of America, LabCorp).